The following is an entry in ClinVar:

NM_001267550.2(TTN):c.30992_30993del (p.Glu10331fs)

Gene: TTN (titin; minus strand). Cytogenetic location: 2q31.2.
Variant type: Microsatellite.
Coding change: c.30992_30993del on transcript NM_001267550.2 (MANE Select); coding-DNA positions 30992 to 30993, 2 bases deleted (AG; older notation c.30992_30993delAG).
Protein change: p.Glu10331fs; shifts the reading frame from glutamic acid 10331.
Molecular consequence: frameshift variant. On other transcripts: intron variant (3).
Genome position (GRCh38, 1-based): chr2:178,696,079-178,696,080, CT deleted on the plus strand (AG on the coding strand, the reverse complement: TTN is on the minus strand); deleting any 2 consecutive bases within chr2:178,696,079-178,696,082 gives the same sequence; the c. name uses the placement nearest the transcript's 3' end. VCF-style (leftmost placement, unchanged base first): chr2-178696078-GCT-G. GRCh37 (hg19) VCF-style: chr2-179560805-GCT-G.
Other names: c.30041_30042del, p.Glu10014fs (NM_001256850.1); c.27260_27261del, p.Glu9087fs (NM_133378.4); c.13282+42002_13282+42003del (NM_003319.4); c.13858+42002_13858+42003del (NM_133437.4); c.13657+42002_13657+42003del (NM_133432.3); short protein forms E10014fs, E10331fs, E9087fs.
Identifiers: ClinVar variation 3756702 (VCV003756702.2).
Genomic context (GRCh38, chr2:178,696,078, plus strand): 5'-CTTCTACCTTAATCTCTTCATAGTCTTCATCTGGTTCTTCATAATAAGGTTGTTCAAATG[GCT>G]CTGTGTATGGTTCTACCTCCAGTTCGTCATAAGGTTCTTCGAAAGATTCAATGAAGACTC-3'

ClinVar aggregate classification (germline): Likely pathogenic (1 of 4 stars; one submission).

Conditions:
Dilated cardiomyopathy 1G (CMD1G). Identifiers: Orphanet 154, MedGen C1858763, MONDO:0011400, OMIM 604145.
Autosomal recessive limb-girdle muscular dystrophy type 2J (LGMDR10). Also called: Limb-girdle muscular dystrophy, type 2J; MUSCULAR DYSTROPHY, LIMB-GIRDLE, AUTOSOMAL RECESSIVE 10. Identifiers: Orphanet 140922, MedGen C1837342, MONDO:0012127, OMIM 608807.

Submission:

Labcorp Genetics (formerly Invitae), Labcorp
Classification: Likely pathogenic for Dilated cardiomyopathy 1G; Autosomal recessive limb-girdle muscular dystrophy type 2J. Last evaluated: 2024-06-05. Review status: criteria provided, single submitter. Criteria: Invitae Variant Classification Sherloc (09022015). Collection method: clinical testing. Allele origin: germline.
Comment: This sequence change creates a premature translational stop signal (p.Glu10331Alafs*3) in the TTN gene. While this is not anticipated to result in nonsense mediated decay, it is expected to create a truncated TTN protein. This variant is not present in population databases (gnomAD no frequency). This variant has not been reported in the literature in individuals affected with TTN-related conditions. This variant is located in the I band of TTN (PMID: 25589632). Truncating variants in this region have been reported in individuals affected with autosomal recessive centronuclear myopathy (PMID: 23975875, Invitae internal data). Truncating variants in this region have also been identified in individuals affected with autosomal dominant dilated cardiomyopathy and/or cardio-related conditions (PMID: 27869827, 32964742, Invitae internal data). In summary, the currently available evidence indicates that the variant is pathogenic, but additional data are needed to prove that conclusively. Therefore, this variant has been classified as Likely Pathogenic.

Literature cited by the submitters: PubMed 25589632; PubMed 23975875; PubMed 27869827; PubMed 32964742.